The following is an entry in ClinVar:

NM_001199138.2(NLRC4):c.2629G>A (p.Val877Met)

Gene: NLRC4 (NLR family CARD domain containing 4; minus strand). Cytogenetic location: 2p22.3.
Variant type: single nucleotide variant.
Coding change: c.2629G>A on transcript NM_001199138.2 (MANE Select); coding-DNA position 2629, G replaced by A.
Protein change: p.Val877Met; replaces valine 877 with methionine.
Molecular consequence: missense variant.
Genome position (GRCh38, 1-based): chr2:32,235,554, C>T on the plus strand (G>A on the coding strand, the complement: NLRC4 is on the minus strand). VCF-style: chr2-32235554-C-T. GRCh37 (hg19) VCF-style: chr2-32460623-C-T.
Other names: c.634G>A, p.Val212Met (NM_001302504.2); c.2629G>A, p.Val877Met (NM_021209.5, NM_001199139.2); short protein forms V212M, V877M.
Identifiers: ClinVar variation 742650 (VCV000742650.55), dbSNP rs147021864, ClinGen allele CA1601739.

ClinVar aggregate classification (germline): Conflicting classifications of pathogenicity. Review status: criteria provided, conflicting classifications (1 of 4 stars). 5 submissions from 5 submitters: Uncertain significance (1); Likely benign (4). Last evaluated 2025-12-23.

Conditions:
Autoinflammatory syndrome. Identifiers: Orphanet 93665, MedGen C3890737, MONDO:0019751.
Inborn genetic diseases. Identifiers: MedGen C0950123, MeSH D030342.
Periodic fever-infantile enterocolitis-autoinflammatory syndrome. Also called: Autoinflammation with infantile enterocolitis. Identifiers: Orphanet 436166, MedGen C4015067, MONDO:0014472, OMIM 616050.
Familial cold autoinflammatory syndrome 4 (FCAS4). Identifiers: Orphanet 47045, Orphanet 576349, MedGen C4015276, MONDO:0014498, OMIM 616115.

Allele frequency attached by ClinVar (database versions not stated): gnomAD exomes 0.00007 and 0.00012; ExAC 0.00014; gnomAD 0.00022 and 0.00023; TOPMed 0.00024; 1000 Genomes Project 30x 0.00031; ESP Exome Variant Server 0.00038; 1000 Genomes Project 0.00040.
gnomAD v4.1: 137 of 1,613,808 alleles (0.0085%); highest among the groups gnomAD compares: Middle Eastern, 0.066%; no homozygotes.

Submissions (5):

Labcorp Genetics (formerly Invitae), Labcorp
Classification: Likely benign for Periodic fever-infantile enterocolitis-autoinflammatory syndrome; Familial cold autoinflammatory syndrome 4. Last evaluated: 2025-12-23. Review status: criteria provided, single submitter. Criteria: Invitae Variant Classification Sherloc (09022015). Collection method: clinical testing. Allele origin: germline.

Ambry Genetics
Classification: Likely benign for Inborn genetic diseases. Last evaluated: 2025-08-25. Review status: criteria provided, single submitter. Criteria: Ambry Variant Classification Scheme 2023. Collection method: clinical testing. Allele origin: germline.

Women's Health and Genetics/Laboratory Corporation of America, LabCorp
Classification: Likely benign. Last evaluated: 2025-04-22. Review status: criteria provided, single submitter. Criteria: LabCorp Variant Classification Summary - May 2015. Collection method: clinical testing. Allele origin: germline.
Comment: Variant summary: NLRC4 c.2629G>A (p.Val877Met) results in a conservative amino acid change in the encoded protein sequence. Four of four in-silico tools predict a benign effect of the variant on protein function. The variant allele was found at a frequency of 0.00012 in 250776 control chromosomes. The observed variant frequency is approximately 123-fold of the estimated maximal expected allele frequency for a pathogenic variant in NLRC4 causing Periodic fever-infantile enterocolitis-autoinflammatory syndrome phenotype (1e-06). To our knowledge, no occurrence of c.2629G>A in individuals affected with Periodic fever-infantile enterocolitis-autoinflammatory syndrome and no experimental evidence demonstrating its impact on protein function have been reported. ClinVar contains an entry for this variant (Variation ID: 742650). Based on the evidence outlined above, the variant was classified as likely benign.

CeGaT Center for Human Genetics Tuebingen
Classification: Likely benign. Last evaluated: 2022-04-01. Review status: criteria provided, single submitter. Criteria: CeGaT Center For Human Genetics Tuebingen Variant Classification Criteria Version 2. Collection method: clinical testing. Allele origin: germline. Affected: yes. Observed: 3 variant alleles.
Comment: NLRC4: BP4

Genome Diagnostics Laboratory, The Hospital for Sick Children
Classification: Uncertain significance for Autoinflammatory syndrome. Last evaluated: 2020-07-14. Review status: criteria provided, single submitter. Criteria: ACMG Guidelines, 2015. Collection method: clinical testing. Allele origin: germline. Affected: yes.